The following is an entry in ClinVar:

NM_000152.5(GAA):c.2738C>T (p.Pro913Leu)

Gene: GAA (alpha glucosidase; plus strand). Cytogenetic location: 17q25.3.
Variant type: single nucleotide variant.
Coding change: c.2738C>T on transcript NM_000152.5 (MANE Select); coding-DNA position 2738, C replaced by T.
Protein change: p.Pro913Leu; replaces proline 913 with leucine.
Molecular consequence: missense variant.
Genome position (GRCh38, 1-based): chr17:80,118,744, C>T. VCF-style: chr17-80118744-C-T. GRCh37 (hg19) VCF-style: chr17-78092543-C-T.
Other names: c.2738C>T, p.Pro913Leu (NM_001079803.3, NM_001079804.3, NM_001406741.1 and 1 more transcripts); short protein forms P913L.
Identifiers: ClinVar variation 4876642 (VCV004876642.1).
Genomic context (GRCh38, chr17:80,118,744, plus strand): 5'-CCAGTGAGGGAGCTGGCCTGCAGCTGCAGAAGGTGACTGTCCTGGGCGTGGCCACGGCGC[C>T]CCAGCAGGTCCTCTCCAACGGTGTCCCTGTCTCCAACTTCACCTACAGCCCCGACACCAA-3'
Protein context (NP_000143.2, residues 903-923): KVTVLGVATA[Pro913Leu]QQVLSNGVPV

ClinVar aggregate classification (germline): Uncertain significance (1 of 4 stars; one submission).

Conditions:
Glycogen storage disease, type II (IOPD). Also called: Pompe Disease; CARDIOMEGALIA GLYCOGENICA DIFFUSA; GLYCOGENOSIS, GENERALIZED, CARDIAC FORM; GSD II; POMPE DISEASE, INFANTILE-ONSET; GLYCOGEN STORAGE DISEASE II, INFANTILE-ONSET. Identifiers: Orphanet 365, MedGen C0017921, MONDO:0009290, OMIM 232300.

Submission:

Genomenon, Inc
Classification: Uncertain significance for Glycogen storage disease, type II. Last evaluated: 2026-07-01. Review status: criteria provided, single submitter. Criteria: Genomenon Sequence Variant Interpretation Standards - Updated. Collection method: curation. Allele origin: germline.
Comment: GAA p.Pro913Leu (c.2738C>T) is a missense variant that changes the amino acid at codon 913 from Proline to Leucine. This variant has been reported in the compound heterozygous and/or homozygous state in at least one individual without a confirmed diagnosis of Pompe disease (PMID:31076647;29046207). It is absent or not present at a significant frequency in gnomAD. In conclusion, we classify GAA p.Pro913Leu (c.2738C>T) as a variant of uncertain significance.

Literature cited by the submitters: PubMed 31076647; PubMed 29046207.